The following is an entry in ClinVar:

ClinVar aggregate classification (germline): Likely pathogenic (1 of 4 stars; one submission).

Conditions:
Short stature, rhizomelic, with microcephaly, micrognathia, and developmental delay (SSMG). Also called: SHORT STATURE-MICROGNATHIA SYNDROME. Identifiers: Orphanet 659702, MedGen C4310686, MONDO:0014948, OMIM 617164.

Submission:

Baylor Genetics
Classification: Likely pathogenic for Short stature, rhizomelic, with microcephaly, micrognathia, and developmental delay. Last evaluated: 2018-11-02. Review status: criteria provided, single submitter. Criteria: ACMG Guidelines, 2015. Collection method: clinical testing. Allele origin: de novo. Affected: yes.
Comment: This variant was determined to be likely pathogenic according to ACMG Guidelines, 2015 [PMID:25741868]. Loss of function variants in ARCN1 has been previously reported in three unrelated patients with features including intrauterine growth restriction, cleft of palate, micrognathia and rhizomelic short stature [PMID 27476655]

Literature cited by the submitters: PubMed 27476655.

NM_001655.5(ARCN1):c.1319G>A (p.Trp440Ter)

Gene: ARCN1 (archain 1; plus strand). Cytogenetic location: 11q23.3.
Variant type: single nucleotide variant.
Coding change: c.1319G>A on transcript NM_001655.5 (MANE Select); coding-DNA position 1319, G replaced by A.
Protein change: p.Trp440Ter; replaces tryptophan 440 with a stop codon.
Molecular consequence: nonsense.
Genome position (GRCh38, 1-based): chr11:118,597,784, G>A. VCF-style: chr11-118597784-G-A. GRCh37 (hg19) VCF-style: chr11-118468499-G-A.
Other names: c.1055G>A, p.Trp352Ter (NM_001142281.2); short protein forms W352*, W440*.
Identifiers: ClinVar variation 1033437 (VCV001033437.1), dbSNP rs1939060948, ClinGen allele CA382817559.